The following is an entry in ClinVar:

NM_018109.4(MTPAP):c.1219+325A>G

Gene: MTPAP (mitochondrial poly(A) polymerase; minus strand). Cytogenetic location: 10p11.23.
Variant type: single nucleotide variant.
Coding change: c.1219+325A>G on transcript NM_018109.4 (MANE Select); 325 bases into the intron after coding-DNA position 1219, A replaced by G.
Molecular consequence: intron variant.
Genome position (GRCh38, 1-based): chr10:30,322,066, T>C on the plus strand (A>G on the coding strand, the complement: MTPAP is on the minus strand). VCF-style: chr10-30322066-T-C. GRCh37 (hg19) VCF-style: chr10-30610995-T-C.
Identifiers: ClinVar variation 672902 (VCV000672902.1), dbSNP rs17229342, ClinGen allele CA205306294.

ClinVar aggregate classification (germline): Likely benign (1 of 4 stars; one submission).

Allele frequency attached by ClinVar (database versions not stated): 1000 Genomes Project 0.00899; 1000 Genomes Project 30x 0.00953; TOPMed 0.01732; gnomAD 0.01821 and 0.01892.
gnomAD v4.1: 2,767 of 152,344 alleles (1.8%); highest among the groups gnomAD compares: Non-Finnish European, 2.8%; 36 homozygotes.

Submission:

GeneDx
Classification: Likely benign. Last evaluated: 2018-06-14. Review status: criteria provided, single submitter. Criteria: GeneDx Variant Classification (06012015). Collection method: clinical testing. Allele origin: germline. Affected: yes.
Comment: This variant is considered likely benign or benign based on one or more of the following criteria: it is a conservative change, it occurs at a poorly conserved position in the protein, it is predicted to be benign by multiple in silico algorithms, and/or has population frequency not consistent with disease.